The following is an entry in ClinVar:

NM_013266.4(CTNNA3):c.1007G>A (p.Arg336His)

Gene: CTNNA3 (catenin alpha 3; minus strand). Cytogenetic location: 10q21.3.
Variant type: single nucleotide variant.
Coding change: c.1007G>A on transcript NM_013266.4 (MANE Select); coding-DNA position 1007, G replaced by A.
Protein change: p.Arg336His; replaces arginine 336 with histidine.
Molecular consequence: missense variant.
Genome position (GRCh38, 1-based): chr10:67,180,357, C>T on the plus strand (G>A on the coding strand, the complement: CTNNA3 is on the minus strand). VCF-style: chr10-67180357-C-T. GRCh37 (hg19) VCF-style: chr10-68940115-C-T.
Other names: c.1007G>A, p.Arg336His (NM_001127384.3); c.1043G>A, p.Arg348His (NM_001291133.2); short protein forms R336H, R348H.
Identifiers: ClinVar variation 541663 (VCV000541663.10), dbSNP rs372482202, ClinGen allele CA5520425.

ClinVar aggregate classification (germline): Uncertain significance (1 of 4 stars; one submission).

Conditions:
Arrhythmogenic right ventricular dysplasia 13. Also called: ARRHYTHMOGENIC RIGHT VENTRICULAR CARDIOMYOPATHY 13; Arrhythmogenic right ventricular dysplasia, familial, 13. Identifiers: MedGen C3810138, MONDO:0000908, OMIM 615616.

Allele frequency attached by ClinVar (database versions not stated): TOPMed 0.00002; gnomAD 0.00003; ESP Exome Variant Server 0.00008.
gnomAD v4.1: 69 of 1,613,334 alleles (0.0043%); highest among the groups gnomAD compares: Admixed American, 0.0083%; no homozygotes.

Submission:

Labcorp Genetics (formerly Invitae), Labcorp
Classification: Uncertain significance for Arrhythmogenic right ventricular dysplasia 13. Last evaluated: 2025-03-31. Review status: criteria provided, single submitter. Criteria: Invitae Variant Classification Sherloc (09022015). Collection method: clinical testing. Allele origin: germline.
Comment: This sequence change replaces arginine, which is basic and polar, with histidine, which is basic and polar, at codon 336 of the CTNNA3 protein (p.Arg336His). This variant is present in population databases (rs372482202, gnomAD 0.01%). This variant has not been reported in the literature in individuals affected with CTNNA3-related conditions. ClinVar contains an entry for this variant (Variation ID: 541663). Invitae Evidence Modeling of protein sequence and biophysical properties (such as structural, functional, and spatial information, amino acid conservation, physicochemical variation, residue mobility, and thermodynamic stability) indicates that this missense variant is expected to disrupt CTNNA3 protein function with a positive predictive value of 80%. In summary, the available evidence is currently insufficient to determine the role of this variant in disease. Therefore, it has been classified as a Variant of Uncertain Significance.